The following is an entry in ClinVar:

ClinVar aggregate classification (germline): Uncertain significance (1 of 4 stars; one submission).

gnomAD v4.1: 10 of 1,532,344 alleles (0.00065%); highest among the groups gnomAD compares: South Asian, 0.01%; no homozygotes.

Submission:

Labcorp Genetics (formerly Invitae), Labcorp
Classification: Uncertain significance. Last evaluated: 2025-12-15. Review status: criteria provided, single submitter. Criteria: Invitae Variant Classification Sherloc (09022015). Collection method: clinical testing. Allele origin: germline.
Comment: This sequence change replaces arginine, which is basic and polar, with proline, which is neutral and non-polar, at codon 1224 of the TAOK2 protein (p.Arg1224Pro). This variant is not present in population databases (gnomAD no frequency). This variant has not been reported in the literature in individuals affected with TAOK2-related conditions. ClinVar contains an entry for this variant (Variation ID: 3000146). An algorithm developed to predict the effect of missense changes on protein structure and function (PolyPhen-2) suggests that this variant is likely to be tolerated. In summary, the available evidence is currently insufficient to determine the role of this variant in disease. Therefore, it has been classified as a Variant of Uncertain Significance.

NM_016151.4(TAOK2):c.3671G>C (p.Arg1224Pro)

Gene: TAOK2 (TAO kinase 2; plus strand). Cytogenetic location: 16p11.2.
Variant type: single nucleotide variant.
Coding change: c.3671G>C on transcript NM_016151.4 (MANE Select); coding-DNA position 3671, G replaced by C.
Protein change: p.Arg1224Pro; replaces arginine 1224 with proline.
Molecular consequence: missense variant. On other transcripts: intron variant (1).
Genome position (GRCh38, 1-based): chr16:29,987,943, G>C. VCF-style: chr16-29987943-G-C. GRCh37 (hg19) VCF-style: chr16-29999264-G-C.
Other names: c.3332G>C, p.Arg1111Pro (NM_001252043.2); c.2232+1439G>C (NM_004783.4); short protein forms R1224P, R1111P.
Identifiers: ClinVar variation 3000146 (VCV003000146.3), dbSNP rs759740148, ClinGen allele CA395502586.
Genomic context (GRCh38, chr16:29,987,943, plus strand): 5'-AGCTAGGGCCCCCTGCCTCCCGCCAGCCACTGCCAGGGACTCTAGCCGGGCGGAGGTCAC[G>C]CACCCGCCAGTCCCGGGCCCTGCCCCCCTGGAGGTAGCTGACTCCAGCCCTTCCAGCCCA-3'
Protein context (NP_057235.2, residues 1214-1234): LPGTLAGRRS[Arg1224Pro]TRQSRALPPW